The following is an entry in ClinVar:

ClinVar aggregate classification (germline): Pathogenic. Review status: criteria provided, multiple submitters, no conflicts (2 of 4 stars). 10 submissions from 10 submitters: Pathogenic (10). Last evaluated 2025-11-05.

Conditions:
Pheochromocytoma. Also called: MAX-Related Hereditary Paraganglioma-Pheochromocytoma Syndrome. Identifiers: Orphanet 29072, MedGen C0031511, MONDO:0008233, OMIM 171300, HP:0002666.
Gastrointestinal stromal tumor. Also called: Gastrointestinal stroma tumor; Gastrointestinal stromal tumor, somatic. Identifiers: Orphanet 44890, MedGen C0238198, MeSH D046152, MONDO:0011719, OMIM 606764, HP:0100723.
Pheochromocytoma/paraganglioma syndrome 4. Also called: CAROTID BODY TUMORS AND MULTIPLE EXTRAADRENAL PHEOCHROMOCYTOMAS; Paragangliomas 4; PARAGANGLIOMA, FAMILIAL MALIGNANT; PARAGANGLIOMAS, HEREDITARY EXTRAADRENAL; PHEOCHROMOCYTOMA, FAMILIAL EXTRAADRENAL; SDHB-Related Hereditary Paraganglioma-Pheochromocytoma Syndrome (Paragangliomas 4). Identifiers: Orphanet 29072, MedGen C1861848, MONDO:0007273, OMIM 115310.
Hereditary cancer-predisposing syndrome. Also called: Hereditary neoplastic syndrome; Tumor predisposition; Hereditary Cancer Syndrome; Neoplastic Syndromes, Hereditary. Identifiers: Orphanet 140162, MedGen C0027672, MeSH D009386, MONDO:0015356.
Hereditary pheochromocytoma and paraganglioma. Also called: Hereditary pheochromocytoma-paraganglioma; Hereditary Paraganglioma-Pheochromocytoma Syndromes; Hereditary paragangliomas and pheochromocytomas. Identifiers: Orphanet 29072, MedGen C4274332, MONDO:0017366.

Submissions (10):

Labcorp Genetics (formerly Invitae), Labcorp
Classification: Pathogenic for Gastrointestinal stromal tumor; Pheochromocytoma/paraganglioma syndrome 4; Pheochromocytoma. Last evaluated: 2025-11-05. Review status: criteria provided, single submitter. Criteria: Invitae Variant Classification Sherloc (09022015). Collection method: clinical testing. Allele origin: germline.
Comment: This sequence change affects the initiator codon of the SDHB mRNA. This change may impact translation initiation or efficiency. The next in-frame methionine is located at codon 58. This variant is not present in population databases (gnomAD no frequency). Disruption of the initiator codon has been observed in individuals with paragangliomas, pheochromocytomas and renal cell carcinomas (PMID: 19351833, 22241717, 23407919, 23512077, 24096523, 25047027, 27279923, 28490599, 29951630). ClinVar contains an entry for this variant (Variation ID: 428932). This variant disrupts the p.Arg46 amino acid residue in SDHB. Other variant(s) that disrupt this residue have been determined to be pathogenic (PMID: 12618761, 14500403, 15328326, 16314641, 17102082, 18362451, 23083876, 23282968). This suggests that this residue is clinically significant, and that variants that disrupt this residue are likely to be disease-causing. For these reasons, this variant has been classified as Pathogenic.

Ambry Genetics
Classification: Pathogenic for Hereditary cancer-predisposing syndrome. Last evaluated: 2025-10-03. Review status: criteria provided, single submitter. Criteria: Ambry Variant Classification Scheme 2023. Collection method: clinical testing. Allele origin: germline.
Comment: The p.M1? pathogenic mutation (also known as c.3G>A), located in coding exon 1 of the SDHB gene, results from a G to A substitution at nucleotide position 3. This alters the methionine residue at the initiation codon (ATG). This alteration has been detected in multiple individuals with paraganglioma and/or pheochromocytoma (Neumann HP et al. Cancer Res. 2009 Apr;69(8):3650-6; Piccini V et al. Endocr. Relat. Cancer 2012 Apr;19(2):149-55; Sjursen W et al. Fam. Cancer 2013 Sep;12(3):529-35; Papathomas TG et al. Eur. J. Endocrinol. 2014 Jan;170:1-12). This variant is considered to be rare based on population cohorts in the Genome Aggregation Database (gnomAD). In addition to the clinical data presented in the literature, sequence variations that modify the initiation codon are expected to result in either loss of translation initiation, N-terminal truncation, or cause a shift in the mRNA reading frame. Based on the supporting evidence, this variant is interpreted as a disease-causing mutation.

Center for Genomic Medicine, Rigshospitalet, Copenhagen University Hospital
Classification: Pathogenic. Last evaluated: 2025-03-04. Review status: criteria provided, single submitter. Criteria: ACMG Guidelines, 2015. Collection method: clinical testing. Allele origin: germline.

Department of Clinical Genetics, Copenhagen University Hospital, Rigshospitalet
Classification: Pathogenic for Hereditary pheochromocytoma and paraganglioma. Last evaluated: 2025-01-24. Review status: criteria provided, single submitter. Criteria: ACMG Guidelines, 2015. Collection method: clinical testing. Allele origin: germline.
Comment: The following ACMG criteria have been used in classification: PM2_SUP; PVS1_MOD; PS4; PS1

CeGaT Center for Human Genetics Tuebingen
Classification: Pathogenic. Last evaluated: 2024-10-01. Review status: criteria provided, single submitter. Criteria: CeGaT Center For Human Genetics Tuebingen Variant Classification Criteria Version 2. Collection method: clinical testing. Allele origin: germline. Affected: yes. Observed: 1 variant allele.
Comment: SDHB: PS4, PM2, PS1:Moderate, PVS1:Moderate

Myriad Genetics, Inc.
Classification: Pathogenic for Pheochromocytoma/paraganglioma syndrome 4. Last evaluated: 2023-12-12. Review status: criteria provided, single submitter. Criteria: Myriad Autosomal Dominant, Autosomal Recessive and X-Linked Classification Criteria (2023). Collection method: clinical testing. Allele origin: unknown.
Comment: This variant is considered pathogenic. This variant is located within the gene translation start codon (p.Met1?) and is predicted to result in abnormal protein translation. This variant has been reported in multiple individuals with clinical features of gene-specific disease [PMID:28503760, 32688340, 24096523, 28374168].

GeneDx
Classification: Pathogenic. Last evaluated: 2023-06-26. Review status: criteria provided, single submitter. Criteria: GeneDx Variant Classification Process June 2021. Collection method: clinical testing. Allele origin: germline. Affected: yes.
Comment: Initiation codon variant in a gene for which loss of function is a known mechanism of disease; Not observed at significant frequency in large population cohorts (gnomAD); Identified in multiple individuals with a personal and/or family history of SDHB-related tumors in published literature (Neumann et al., 2009; Piccini et al., 2012; Sjursen et al., 2013; Bayley et al., 2020; Main et al., 2020); This variant is associated with the following publications: (PMID: 19351833, 23407919, 31492822, 32688340, 24096523, 22241717, 27279923)

All of Us Research Program, National Institutes of Health
Classification: Pathogenic for Hereditary pheochromocytoma and paraganglioma. Last evaluated: 2023-06-08. Review status: criteria provided, single submitter. Criteria: ACMG Guidelines, 2015. Collection method: clinical testing. Allele origin: germline. Inheritance: Autosomal dominant inheritance. Observed: 1 variant allele, 1 heterozygote.
Comment: This variant results in the loss of the translation start codon (methionine at codon 1) of the SDHB gene. This variant is expected to disrupt the expression of the full-length SDHB protein. The next in-frame methionine occurs at codon 58, but it is not known if a functional SDHB protein product can be produced using p.Met58 as an alternative translation start site. To our knowledge, functional studies have not been reported for this variant. This variant has been reported in individuals affected with pheochromocytoma/paraganglioma (PMID: 19351833, 22241717, 23407919, 27279923, 27279923, 32688340). This variant has not been identified in the general population by the Genome Aggregation Database (gnomAD). Based on the available evidence, this variant is classified as Pathogenic.

This study involves interpretation of variants in research participants for the purpose of population health screening. Participant phenotype was not available at the time of variant classification. Additional details can be found in publication PMID: 35346344, PMCID: PMC8962531

Color Diagnostics, LLC DBA Color Health
Classification: Pathogenic for Hereditary pheochromocytoma and paraganglioma. Last evaluated: 2023-05-08. Review status: criteria provided, single submitter. Criteria: ACMG Guidelines, 2015. Collection method: clinical testing. Allele origin: germline.
Comment: This variant results in the loss of the translation start codon (methionine at codon 1) of the SDHB gene. This variant is expected to disrupt the expression of the full-length SDHB protein. The next in-frame methionine occurs at codon 58, but it is not known if a functional SDHB protein product can be produced using p.Met58 as an alternative translation start site. To our knowledge, functional studies have not been reported for this variant. This variant has been reported in individuals affected with pheochromocytoma/paraganglioma (PMID: 19351833, 22241717, 23407919, 27279923, 27279923, 32688340). This variant has not been identified in the general population by the Genome Aggregation Database (gnomAD). Based on the available evidence, this variant is classified as Pathogenic.

MGZ Medical Genetics Center
Classification: Pathogenic for Pheochromocytoma. Last evaluated: 2022-02-09. Review status: criteria provided, single submitter. Criteria: ACMG Guidelines, 2015. Collection method: clinical testing. Allele origin: germline. Affected: yes. Observed: 1 variant allele.
Comment: ACMG criteria applied: PS1, PVS1_MOD, PS4_MOD, PM2_SUP, PP4

Literature cited by the submitters: PubMed 19351833 (cited by 4 submitters); PubMed 22241717 (cited by 4 submitters); PubMed 23407919 (cited by 4 submitters); PubMed 23512077 (cited by Labcorp Genetics (formerly Invitae), Labcorp); PubMed 24096523 (cited by 3 submitters); PubMed 25047027 (cited by Labcorp Genetics (formerly Invitae), Labcorp); PubMed 27279923 (cited by 5 submitters); PubMed 28490599 (cited by Labcorp Genetics (formerly Invitae), Labcorp); PubMed 29951630 (cited by Labcorp Genetics (formerly Invitae), Labcorp); PubMed 12618761 (cited by Labcorp Genetics (formerly Invitae), Labcorp); PubMed 14500403 (cited by Labcorp Genetics (formerly Invitae), Labcorp); PubMed 15328326 (cited by Labcorp Genetics (formerly Invitae), Labcorp); PubMed 16314641 (cited by Labcorp Genetics (formerly Invitae), Labcorp); PubMed 17102082 (cited by Labcorp Genetics (formerly Invitae), Labcorp); PubMed 18362451 (cited by Labcorp Genetics (formerly Invitae), Labcorp); PubMed 23083876 (cited by Labcorp Genetics (formerly Invitae), Labcorp); PubMed 23282968 (cited by Labcorp Genetics (formerly Invitae), Labcorp); PubMed 28503760 (cited by Myriad Genetics, Inc.); PubMed 32688340 (cited by 3 submitters); PubMed 28374168 (cited by Myriad Genetics, Inc.).

NM_003000.3(SDHB):c.3G>A (p.Met1Ile)

Gene: SDHB (succinate dehydrogenase complex iron sulfur subunit B; minus strand). Cytogenetic location: 1p36.13.
Variant type: single nucleotide variant.
Coding change: c.3G>A on transcript NM_003000.3 (MANE Select); coding-DNA position 3, G replaced by A.
Protein change: p.Met1Ile; changes the start codon (methionine 1).
Molecular consequence: missense variant, initiator codon variant.
Genome position (GRCh38, 1-based): chr1:17,054,017, C>T on the plus strand (G>A on the coding strand, the complement: SDHB is on the minus strand). VCF-style: chr1-17054017-C-T. GRCh37 (hg19) VCF-style: chr1-17380512-C-T.
Other names: short protein forms M1I.
Identifiers: ClinVar variation 428932 (VCV000428932.34), dbSNP rs1131691061, ClinGen allele CA338230889.